The following is an entry in ClinVar:

ClinVar aggregate classification (germline): Conflicting classifications of pathogenicity. Review status: criteria provided, conflicting classifications (1 of 4 stars). 3 submissions from 3 submitters: Likely pathogenic (2); Uncertain significance (1). Last evaluated 2025-09-16.

Conditions:
Hereditary pulmonary alveolar proteinosis. Also called: Pulmonary surfactant metabolism dysfunction. Identifiers: Orphanet 264675, MedGen C3711368, MONDO:0012580.
Interstitial lung disease due to ABCA3 deficiency. Also called: PULMONARY ALVEOLAR PROTEINOSIS, CONGENITAL, 3. Identifiers: Orphanet 440402, MedGen C1970456, MONDO:0012582, OMIM 610921.

Allele frequency attached by ClinVar (database versions not stated): gnomAD exomes below 0.00001; TOPMed 0.00001.
gnomAD v4.1: 1 of 1,612,946 alleles (0.000062%); highest among the groups gnomAD compares: Admixed American, 0.0017%; no homozygotes.

Submissions (3):

Ambry Genetics
Classification: Uncertain significance for Hereditary pulmonary alveolar proteinosis. Last evaluated: 2025-09-16. Review status: criteria provided, single submitter. Criteria: Ambry Variant Classification Scheme 2023. Collection method: clinical testing. Allele origin: germline.
Comment: The c.55-1G>A intronic alteration results from a G to A substitution one nucleotide before coding exon 2 of the ABCA3 gene. Alterations that disrupt the canonical splice site are expected to result in aberrant splicing. The resulting transcript is predicted to be in-frame and is not expected to trigger nonsense-mediated mRNA decay, although direct evidence is unavailable. Based on data from gnomAD, the A allele has an overall frequency of <0.001% (1/249964) total alleles studied. The highest observed frequency was 0.003% (1/34586) of Latino alleles. This nucleotide position is highly conserved in available vertebrate species. In silico splice site analysis predicts that this alteration will weaken the native splice acceptor site and will result in the creation or strengthening of a novel splice acceptor site. Based on insufficient or conflicting evidence, the clinical significance of this alteration remains unclear.

Fulgent Genetics
Classification: Likely pathogenic for Interstitial lung disease due to ABCA3 deficiency. Last evaluated: 2024-04-25. Review status: criteria provided, single submitter. Criteria: ACMG Guidelines, 2015. Collection method: clinical testing. Allele origin: germline.

Labcorp Genetics (formerly Invitae), Labcorp
Classification: Likely pathogenic. Last evaluated: 2022-05-06. Review status: criteria provided, single submitter. Criteria: Invitae Variant Classification Sherloc (09022015). Collection method: clinical testing. Allele origin: germline.
Comment: In summary, the currently available evidence indicates that the variant is pathogenic, but additional data are needed to prove that conclusively. Therefore, this variant has been classified as Likely Pathogenic. Algorithms developed to predict the effect of sequence changes on RNA splicing suggest that this variant may disrupt the consensus splice site. This variant has not been reported in the literature in individuals affected with ABCA3-related conditions. This variant is present in population databases (no rsID available, gnomAD 0.003%). This sequence change affects an acceptor splice site in intron 4 of the ABCA3 gene. It is expected to disrupt RNA splicing. Variants that disrupt the donor or acceptor splice site typically lead to a loss of protein function (PMID: 16199547), and loss-of-function variants in ABCA3 are known to be pathogenic (PMID: 27516224).

Literature cited by the submitters: PubMed 16199547 (cited by Labcorp Genetics (formerly Invitae), Labcorp); PubMed 27516224 (cited by Labcorp Genetics (formerly Invitae), Labcorp).

NM_001089.3(ABCA3):c.55-1G>A

Gene: ABCA3 (ATP binding cassette subfamily A member 3; minus strand). Cytogenetic location: 16p13.3.
Variant type: single nucleotide variant.
Coding change: c.55-1G>A on transcript NM_001089.3 (MANE Select); the canonical splice acceptor site of the intron before coding-DNA position 55, G replaced by A.
Molecular consequence: splice acceptor variant.
Genome position (GRCh38, 1-based): chr16:2,326,275, C>T on the plus strand (G>A on the coding strand, the complement: ABCA3 is on the minus strand). VCF-style: chr16-2326275-C-T. GRCh37 (hg19) VCF-style: chr16-2376276-C-T.
Other names: c.55-1G>A (NM_001089.2).
Identifiers: ClinVar variation 1904472 (VCV001904472.7), dbSNP rs1203870702, ClinGen allele CA394353143.